The following is an entry in ClinVar:

ClinVar aggregate classification (germline): Uncertain significance (1 of 4 stars; one submission).

Conditions:
Glycogen storage disease type III (GSD3). Also called: Cori disease; FORBES DISEASE. Identifiers: Orphanet 366, MedGen C0017922, MONDO:0009291, OMIM 232400.

Submission:

Labcorp Genetics (formerly Invitae), Labcorp
Classification: Uncertain significance for Glycogen storage disease type III. Last evaluated: 2018-04-27. Review status: criteria provided, single submitter. Criteria: Invitae Variant Classification Sherloc (09022015). Collection method: clinical testing. Allele origin: germline.
Comment: This sequence change replaces leucine with proline at codon 122 of the AGL protein (p.Leu122Pro). The leucine residue is moderately conserved and there is a moderate physicochemical difference between leucine and proline. This variant is not present in population databases (ExAC no frequency). This variant has not been reported in the literature in individuals with AGL-related disease. Algorithms developed to predict the effect of missense changes on protein structure and function do not agree on the potential impact of this missense change (SIFT: "Deleterious"; PolyPhen-2: "Probably Damaging"; Align-GVGD: "Class C0"). In summary, the available evidence is currently insufficient to determine the role of this variant in disease. Therefore, it has been classified as a Variant of Uncertain Significance.

NM_000642.3(AGL):c.365T>C (p.Leu122Pro)

Gene: AGL (amylo-alpha-1,6-glucosidase and 4-alpha-glucanotransferase; plus strand). Cytogenetic location: 1p21.2.
Variant type: single nucleotide variant.
Coding change: c.365T>C on transcript NM_000642.3 (MANE Select); coding-DNA position 365, T replaced by C.
Protein change: p.Leu122Pro; replaces leucine 122 with proline.
Molecular consequence: missense variant.
Genome position (GRCh38, 1-based): chr1:99,862,328, T>C. VCF-style: chr1-99862328-T-C. GRCh37 (hg19) VCF-style: chr1-100327884-T-C.
Other names: c.365T>C, p.Leu122Pro (NM_000028.3, NM_000643.3, NM_000644.3 and 5 more transcripts); c.317T>C, p.Leu106Pro (NM_000646.3); short protein forms L122P, L106P.
Identifiers: ClinVar variation 572505 (VCV000572505.6), dbSNP rs1557747438, ClinGen allele CA341331459.
Genomic context (GRCh38, chr1:99,862,328, plus strand): 5'-GTGGTGGAGGTTACATAGTTGTGGACCCCATTTTACGTGTTGGTGCTGATAATCATGTGC[T>C]ACCCTTGGACTGTGTTACTCTTCAGACATTTTTAGCTAAGTGTTTGGGACCTTTTGATGA-3'
Protein context (NP_000633.2, residues 112-132): ILRVGADNHV[Leu122Pro]PLDCVTLQTF